The following is an entry in ClinVar:

NM_198578.4(LRRK2):c.1262C>G (p.Ala421Gly)

Gene: LRRK2 (leucine rich repeat kinase 2; plus strand). Cytogenetic location: 12q12.
Variant type: single nucleotide variant.
Coding change: c.1262C>G on transcript NM_198578.4 (MANE Select); coding-DNA position 1262, C replaced by G.
Protein change: p.Ala421Gly; replaces alanine 421 with glycine.
Molecular consequence: missense variant.
Genome position (GRCh38, 1-based): chr12:40,252,990, C>G. VCF-style: chr12-40252990-C-G. GRCh37 (hg19) VCF-style: chr12-40646792-C-G.
Other names: short protein forms A421G.
Identifiers: ClinVar variation 1763420 (VCV001763420.2), dbSNP rs866931784, ClinGen allele CA384409561.

ClinVar aggregate classification (germline): Uncertain significance (1 of 4 stars; one submission).

Conditions:
Inborn genetic diseases. Identifiers: MedGen C0950123, MeSH D030342.

Allele frequency attached by ClinVar (database versions not stated): gnomAD exomes below 0.00001.
gnomAD v4.1: 1 of 1,612,202 alleles (0.000062%); highest among the groups gnomAD compares: Non-Finnish European, 0.000085%; no homozygotes.

Submission:

Ambry Genetics
Classification: Uncertain significance for Inborn genetic diseases. Last evaluated: 2021-08-24. Review status: criteria provided, single submitter. Criteria: Ambry Variant Classification Scheme 2023. Collection method: clinical testing. Allele origin: germline.
Comment: The p.A421G variant (also known as c.1262C>G), located in coding exon 11 of the LRRK2 gene, results from a C to G substitution at nucleotide position 1262. The alanine at codon 421 is replaced by glycine, an amino acid with similar properties. This amino acid position is conserved. In addition, this alteration is predicted to be tolerated by in silico analysis. Since supporting evidence is limited at this time, the clinical significance of this alteration remains unclear.